The following is an entry in ClinVar:

NM_001868.4(CPA1):c.1072+16G>C

Gene: CPA1 (carboxypeptidase A1; plus strand). Cytogenetic location: 7q32.2.
Variant type: single nucleotide variant.
Coding change: c.1072+16G>C on transcript NM_001868.4 (MANE Select); 16 bases into the intron after coding-DNA position 1072, G replaced by C.
Molecular consequence: intron variant.
Genome position (GRCh38, 1-based): chr7:130,385,939, G>C. VCF-style: chr7-130385939-G-C. GRCh37 (hg19) VCF-style: chr7-130025780-G-C.
Identifiers: ClinVar variation 1599896 (VCV001599896.11), dbSNP rs28741972, ClinGen allele CA4485046.

ClinVar aggregate classification (germline): Benign/Likely benign. Review status: criteria provided, multiple submitters, no conflicts (2 of 4 stars). 3 submissions from 3 submitters: Benign (2); Likely benign (1). Last evaluated 2026-01-31.

Allele frequency attached by ClinVar (database versions not stated): 1000 Genomes Project 0.00879; 1000 Genomes Project 30x 0.00906; gnomAD 0.00948 and 0.01020; ESP Exome Variant Server 0.01123; TOPMed 0.01176.
gnomAD v4.1: 3,144 of 1,606,454 alleles (0.2%); highest among the groups gnomAD compares: African/African-American, 3.1%; 38 homozygotes.

Submissions (3):

Labcorp Genetics (formerly Invitae), Labcorp
Classification: Benign. Last evaluated: 2026-01-31. Review status: criteria provided, single submitter. Criteria: Invitae Variant Classification Sherloc (09022015). Collection method: clinical testing. Allele origin: germline.

GeneDx
Classification: Likely benign. Last evaluated: 2019-06-21. Review status: criteria provided, single submitter. Criteria: GeneDx Variant Classification Process June 2021. Collection method: clinical testing. Allele origin: germline. Affected: yes.
Comment: See Variant Classification Assertion Criteria.

Breakthrough Genomics
Classification: Benign. Review status: criteria provided, single submitter. Criteria: ACMG Guidelines, 2015. Collection method: not provided. Allele origin: germline. Inheritance: Unknown mechanism. Affected: yes.